The following is an entry in ClinVar:

ClinVar aggregate classification (germline): Pathogenic (1 of 4 stars; one submission).

Submission:

Labcorp Genetics (formerly Invitae), Labcorp
Classification: Pathogenic. Last evaluated: 2022-06-13. Review status: criteria provided, single submitter. Criteria: Invitae Variant Classification Sherloc (09022015). Collection method: clinical testing. Allele origin: germline.
Comment: This sequence change creates a premature translational stop signal (p.Asn1302Lysfs*14) in the CPLANE1 gene. It is expected to result in an absent or disrupted protein product. Loss-of-function variants in CPLANE1 are known to be pathogenic (PMID: 24178751, 26092869). This variant is present in population databases (no rsID available, gnomAD 0.007%). This variant has not been reported in the literature in individuals affected with CPLANE1-related conditions. For these reasons, this variant has been classified as Pathogenic.

Literature cited by the submitters: PubMed 24178751; PubMed 26092869.

NM_001384732.1(CPLANE1):c.3906_3912del (p.Asn1302fs)

Gene: CPLANE1 (ciliogenesis and planar polarity effector complex subunit 1; minus strand). Cytogenetic location: 5p13.2.
Variant type: Deletion.
Coding change: c.3906_3912del on transcript NM_001384732.1 (MANE Select); coding-DNA positions 3906 to 3912, 7 bases deleted (TGTAAAA; older notation c.3906_3912delTGTAAAA).
Protein change: p.Asn1302fs; shifts the reading frame from asparagine 1302.
Molecular consequence: frameshift variant.
Genome position (GRCh38, 1-based): chr5:37,187,742-37,187,748, TTTTACA deleted on the plus strand (TGTAAAA on the coding strand, the reverse complement: CPLANE1 is on the minus strand); deleting any 7 consecutive bases within chr5:37,187,742-37,187,752 gives the same sequence; the c. name uses the placement nearest the transcript's 3' end. VCF-style (leftmost placement, unchanged base first): chr5-37187741-CTTTTACA-C. GRCh37 (hg19) VCF-style: chr5-37187843-CTTTTACA-C.
Other names: c.3906_3912del, p.Asn1302fs (NM_023073.4); short protein forms N1302fs.
Identifiers: ClinVar variation 1415532 (VCV001415532.6), dbSNP rs1291258464, ClinGen allele CA559295565.